The following is an entry in ClinVar:

NM_000687.4(AHCY):c.659G>T (p.Gly220Val)

Gene: AHCY (adenosylhomocysteinase; minus strand). Cytogenetic location: 20q11.22.
Variant type: single nucleotide variant.
Coding change: c.659G>T on transcript NM_000687.4 (MANE Select); coding-DNA position 659, G replaced by T.
Protein change: p.Gly220Val; replaces glycine 220 with valine.
Molecular consequence: missense variant.
Genome position (GRCh38, 1-based): chr20:34,290,838, C>A on the plus strand (G>T on the coding strand, the complement: AHCY is on the minus strand). VCF-style: chr20-34290838-C-A. GRCh37 (hg19) VCF-style: chr20-32878644-C-A.
Other names: c.659G>T, p.Gly220Val (NM_001362750.2); c.575G>T, p.Gly192Val (NM_001161766.2, NM_001322084.2, NM_001322085.2); c.665G>T, p.Gly222Val (NM_001322086.2); short protein forms G192V, G220V, G222V.
Identifiers: ClinVar variation 1713821 (VCV001713821.3), dbSNP rs2036358779, ClinGen allele CA408657877.

ClinVar aggregate classification (germline): Uncertain significance (1 of 4 stars; one submission).

Conditions:
Hypermethioninemia with deficiency of S-adenosylhomocysteine hydrolase. Identifiers: Orphanet 88618, MedGen C3151058, MONDO:0013404, OMIM 613752.

Allele frequency attached by ClinVar (database versions not stated): gnomAD exomes below 0.00001; TOPMed below 0.00001.
gnomAD v4.1: 1 of 1,614,166 alleles (0.000062%); highest among the groups gnomAD compares: Non-Finnish European, 0.000085%; no homozygotes.

Submission:

Labcorp Genetics (formerly Invitae), Labcorp
Classification: Uncertain significance for Hypermethioninemia with deficiency of S-adenosylhomocysteine hydrolase. Last evaluated: 2022-09-19. Review status: criteria provided, single submitter. Criteria: Invitae Variant Classification Sherloc (09022015). Collection method: clinical testing. Allele origin: germline.
Comment: This sequence change replaces glycine, which is neutral and non-polar, with valine, which is neutral and non-polar, at codon 220 of the AHCY protein (p.Gly220Val). This variant is not present in population databases (gnomAD no frequency). This variant has not been reported in the literature in individuals affected with AHCY-related conditions. Advanced modeling of protein sequence and biophysical properties (such as structural, functional, and spatial information, amino acid conservation, physicochemical variation, residue mobility, and thermodynamic stability) performed at Invitae indicates that this missense variant is expected to disrupt AHCY protein function. In summary, the available evidence is currently insufficient to determine the role of this variant in disease. Therefore, it has been classified as a Variant of Uncertain Significance.